The following is an entry in ClinVar:

ClinVar aggregate classification (germline): Uncertain significance (1 of 4 stars; one submission).

Submission:

Ambry Genetics
Classification: Uncertain significance. Last evaluated: 2025-09-10. Review status: criteria provided, single submitter. Criteria: Ambry Variant Classification Scheme 2023. Collection method: clinical testing. Allele origin: germline.
Comment: The p.I704F variant (also known as c.2110A>T), located in coding exon 4 of the CDK12 gene, results from an A to T substitution at nucleotide position 2110. The isoleucine at codon 704 is replaced by phenylalanine, an amino acid with highly similar properties. This amino acid position is conserved. In addition, the in silico prediction for this alteration is inconclusive. Based on the available evidence, the clinical significance of this variant remains unclear.

NM_016507.4(CDK12):c.2110A>T (p.Ile704Phe)

Gene: CDK12 (cyclin dependent kinase 12; plus strand). Cytogenetic location: 17q12.
Variant type: single nucleotide variant.
Coding change: c.2110A>T on transcript NM_016507.4 (MANE Select); coding-DNA position 2110, A replaced by T.
Protein change: p.Ile704Phe; replaces isoleucine 704 with phenylalanine.
Molecular consequence: missense variant.
Genome position (GRCh38, 1-based): chr17:39,492,752, A>T. VCF-style: chr17-39492752-A-T. GRCh37 (hg19) VCF-style: chr17-37649005-A-T.
Other names: c.2110A>T, p.Ile704Phe (NM_015083.4); short protein forms I704F.
Identifiers: ClinVar variation 4224460 (VCV004224460.1).